The following is an entry in ClinVar:

NM_182961.4(SYNE1):c.609T>G (p.Phe203Leu)

Gene: SYNE1 (spectrin repeat containing nuclear envelope protein 1; minus strand). Cytogenetic location: 6q25.2.
Variant type: single nucleotide variant.
Coding change: c.609T>G on transcript NM_182961.4 (MANE Select); coding-DNA position 609, T replaced by G.
Protein change: p.Phe203Leu; replaces phenylalanine 203 with leucine.
Molecular consequence: missense variant.
Genome position (GRCh38, 1-based): chr6:152,505,370, A>C on the plus strand (T>G on the coding strand, the complement: SYNE1 is on the minus strand). VCF-style: chr6-152505370-A-C. GRCh37 (hg19) VCF-style: chr6-152826505-A-C.
Other names: c.630T>G, p.Phe210Leu (NM_033071.5); short protein forms F203L, F210L.
Identifiers: ClinVar variation 2108594 (VCV002108594.7), dbSNP rs1250204451, ClinGen allele CA366149198.

ClinVar aggregate classification (germline): Uncertain significance. Review status: criteria provided, multiple submitters, no conflicts (2 of 4 stars). 2 submissions from 2 submitters: Uncertain significance (2). Last evaluated 2023-08-04.

Conditions:
Emery-Dreifuss muscular dystrophy 4, autosomal dominant (EDMD4). Also called: EMERY-DREIFUSS MUSCULAR DYSTROPHY 4 WITH VARIABLE FEATURES. Identifiers: Orphanet 261, MedGen C2751807, MONDO:0013071, OMIM 612998.
Autosomal recessive ataxia, Beauce type. Also called: SYNE1 Deficiency; Spinocerebellar ataxia, autosomal recessive 8; ATAXIA, RECESSIVE, OF BEAUCE; SYNE1-Related Autosomal Recessive Cerebellar Ataxia. Identifiers: Orphanet 88644, MedGen C1853116, MONDO:0012549, OMIM 610743.

gnomAD v4.1: 5 of 1,614,000 alleles (0.00031%); highest among the groups gnomAD compares: Non-Finnish European, 0.00042%; no homozygotes.

Submissions (2):

Labcorp Genetics (formerly Invitae), Labcorp
Classification: Uncertain significance for Emery-Dreifuss muscular dystrophy 4, autosomal dominant; Autosomal recessive ataxia, Beauce type. Last evaluated: 2023-08-04. Review status: criteria provided, single submitter. Criteria: Invitae Variant Classification Sherloc (09022015). Collection method: clinical testing. Allele origin: germline.
Comment: In summary, the available evidence is currently insufficient to determine the role of this variant in disease. Therefore, it has been classified as a Variant of Uncertain Significance. An algorithm developed to predict the effect of missense changes on protein structure and function (PolyPhen-2) suggests that this variant is likely to be disruptive. ClinVar contains an entry for this variant (Variation ID: 2108594). This variant has not been reported in the literature in individuals affected with SYNE1-related conditions. This variant is present in population databases (no rsID available, gnomAD 0.0009%). This sequence change replaces phenylalanine, which is neutral and non-polar, with leucine, which is neutral and non-polar, at codon 210 of the SYNE1 protein (p.Phe210Leu).

Revvity Omics, Revvity
Classification: Uncertain significance. Last evaluated: 2021-06-03. Review status: criteria provided, single submitter. Criteria: ACMG Guidelines, 2015. Collection method: clinical testing. Allele origin: germline.